The following is an entry in ClinVar:

ClinVar aggregate classification (germline): Benign. Review status: criteria provided, multiple submitters, no conflicts (2 of 4 stars). 3 submissions from 3 submitters: Benign (3). Last evaluated 2018-06-23.

Conditions:
Neuroblastoma, susceptibility to, 3. Also called: ALK-Related Neuroblastic Tumor Susceptibility. Identifiers: Orphanet 635, MedGen C2751681, MONDO:0013083, OMIM 613014.

Allele frequency attached by ClinVar (database versions not stated): gnomAD 0.02532 and 0.02692; TOPMed 0.02870; 1000 Genomes Project 0.03035; 1000 Genomes Project 30x 0.03342.
gnomAD v4.1: 9,067 of 1,585,138 alleles (0.57%); highest among the groups gnomAD compares: African/African-American, 8.2%; 305 homozygotes.

Submissions (3):

GeneDx
Classification: Benign. Last evaluated: 2018-06-23. Review status: criteria provided, single submitter. Criteria: GeneDx Variant Classification Process June 2021. Collection method: clinical testing. Allele origin: germline. Affected: yes.

Illumina Laboratory Services, Illumina
Classification: Benign for Neuroblastoma, susceptibility to, 3. Last evaluated: 2018-01-13. Review status: criteria provided, single submitter. Criteria: ICSL Variant Classification Criteria 13 December 2019. Collection method: clinical testing. Allele origin: germline.
Comment: This variant was observed in the ICSL laboratory as part of a predisposition screen in an ostensibly healthy population. It had not been previously curated by ICSL or reported in the Human Gene Mutation Database (HGMD: prior to June 1st, 2018), and was therefore a candidate for classification through an automated scoring system. Utilizing variant allele frequency, disease prevalence and penetrance estimates, and inheritance mode, an automated score was calculated to assess if this variant is too frequent to cause the disease. Based on the score and internal cut-off values, a variant classified as benign is not then subjected to further curation. The score for this variant resulted in a classification of benign for this disease.

Breakthrough Genomics
Classification: Benign. Review status: criteria provided, single submitter. Criteria: ACMG Guidelines, 2015. Collection method: not provided. Allele origin: germline. Inheritance: Unknown mechanism. Affected: yes.

NM_004304.5(ALK):c.*53G>C

Gene: ALK (ALK receptor tyrosine kinase; minus strand). Cytogenetic location: 2p23.2.
Variant type: single nucleotide variant.
Coding change: c.*53G>C on transcript NM_004304.5 (MANE Select); 53 bases downstream of the stop codon, G replaced by C.
Molecular consequence: 3 prime UTR variant.
Genome position (GRCh38, 1-based): chr2:29,193,171, C>G on the plus strand (G>C on the coding strand, the complement: ALK is on the minus strand). VCF-style: chr2-29193171-C-G. GRCh37 (hg19) VCF-style: chr2-29416037-C-G.
Other names: c.*53G>C (NM_001353765.2).
Identifiers: ClinVar variation 335684 (VCV000335684.8), dbSNP rs80088378, ClinGen allele CA10613133.